The following is an entry in ClinVar:

NM_006147.4(IRF6):c.*558C>T

Gene: IRF6 (interferon regulatory factor 6; minus strand). Cytogenetic location: 1q32.2.
Variant type: single nucleotide variant.
Coding change: c.*558C>T on transcript NM_006147.4 (MANE Select); 558 bases downstream of the stop codon, C replaced by T.
Molecular consequence: 3 prime UTR variant.
Genome position (GRCh38, 1-based): chr1:209,787,862, G>A on the plus strand (C>T on the coding strand, the complement: IRF6 is on the minus strand). VCF-style: chr1-209787862-G-A. GRCh37 (hg19) VCF-style: chr1-209961207-G-A.
Other names: c.*558C>T (NM_001206696.2).
Identifiers: ClinVar variation 295197 (VCV000295197.5), dbSNP rs73091663, ClinGen allele CA10609022.

ClinVar aggregate classification (germline): Benign. Review status: criteria provided, single submitter (1 of 4 stars). 2 submissions from 1 submitter: Benign (2). Last evaluated 2017-04-27.

Conditions:
Van der Woude syndrome 1. Also called: CLEFT LIP AND/OR PALATE WITH MUCOUS CYSTS OF LOWER LIP; van der Woude Syndrome (VWS). Identifiers: MedGen C4551864, MONDO:0007333, OMIM 119300.
Orofacial cleft 6, susceptibility to (OFC6). Also called: CLEFT LIP WITH OR WITHOUT CLEFT PALATE, NONSYNDROMIC, 6. Identifiers: MedGen C1837213, MONDO:0012141, OMIM 608864.

Allele frequency attached by ClinVar (database versions not stated): gnomAD exomes 0.00072; gnomAD 0.01818 and 0.01939; TOPMed 0.01957; 1000 Genomes Project 0.02236; 1000 Genomes Project 30x 0.02467.
gnomAD v4.1: 2,729 of 153,642 alleles (1.8%); highest among the groups gnomAD compares: African/African-American, 6.2%; 99 homozygotes.

Submissions (2):

Illumina Laboratory Services, Illumina
Classification: Benign for Orofacial cleft 6, susceptibility to. Last evaluated: 2017-04-27. Review status: criteria provided, single submitter. Criteria: ICSL Variant Classification Criteria 13 December 2019. Collection method: clinical testing. Allele origin: germline.
Comment: This variant was observed as part of a predisposition screen in an ostensibly healthy population. A literature search was performed for the gene, cDNA change, and amino acid change (where applicable). No publications were found based on this search. Allele frequency data from public databases was too high to be consistent with this variant causing disease. Therefore, this variant is classified as benign.

Illumina Laboratory Services, Illumina
Classification: Benign for Van der Woude syndrome 1. Last evaluated: 2017-04-27. Review status: criteria provided, single submitter. Criteria: ICSL Variant Classification Criteria 13 December 2019. Collection method: clinical testing. Allele origin: germline.
Comment: the same text as in the submission from Illumina Laboratory Services, Illumina above.